The following is an entry in ClinVar:

NM_001371623.1(TCOF1):c.2126_2127dup (p.Val710fs)

Gene: TCOF1 (treacle ribosome biogenesis factor 1; plus strand). Cytogenetic location: 5q32.
Variant type: Duplication.
Coding change: c.2126_2127dup on transcript NM_001371623.1 (MANE Select); coding-DNA positions 2126 to 2127, 2 bases duplicated (CA; older notation c.2126_2127dupCA).
Protein change: p.Val710fs; shifts the reading frame from valine 710.
Molecular consequence: frameshift variant.
Genome position (GRCh38, 1-based): chr5:150,376,314-150,376,315, CA duplicated. VCF-style (leftmost placement, unchanged base first): chr5-150376313-G-GCA. GRCh37 (hg19) VCF-style: chr5-149755876-G-GCA.
Other names: c.1895_1896dup, p.Val633fs (NM_000356.4, NM_001135245.2, NM_001437406.1); c.2126_2127dup, p.Val710fs (NM_001008657.3, NM_001135243.2, NM_001135244.2 and 1 more transcripts); short protein forms V633fs, V710fs.
Identifiers: ClinVar variation 4998588 (VCV004998588.1).
Genomic context (GRCh38, chr5:150,376,313, plus strand): 5'-CCAGCAGAGGATTCTTCAAGCAGTGAGGAATCAGATAGTGAGGAAGAGAAGACAGGTCTT[G>GCA]CAGTAACCGTGGGACAGGTGAGGCCTGTGTTTTCTGGGCGGGCCTCAGGGCCGCCCCTAC-3'

ClinVar aggregate classification (germline): Likely pathogenic (1 of 4 stars; one submission).

Conditions:
TCOF1-related disorder. Also called: TCOF1-related condition.

Submission:

PreventionGenetics, part of Exact Sciences
Classification: Likely pathogenic for TCOF1-related condition. Last evaluated: 2024-11-04. Review status: criteria provided, single submitter. Criteria: ACMG Guidelines, 2015. Collection method: clinical testing. Allele origin: germline.
Comment: The TCOF1 c.2126_2127dupCA variant is predicted to result in a frameshift and premature protein termination (p.Val710Glnfs*2). To our knowledge, this variant has not been reported in the literature or in a large population database (gnomAD), indicating this variant is rare. Frameshift variants in TCOF1 are expected to be pathogenic. This variant is interpreted as likely pathogenic.